The following is an entry in ClinVar:

NM_001378454.1(ALMS1):c.11737A>G (p.Ser3913Gly)

Gene: ALMS1 (ALMS1 centrosome and basal body associated protein; plus strand). Cytogenetic location: 2p13.1.
Variant type: single nucleotide variant.
Coding change: c.11737A>G on transcript NM_001378454.1 (MANE Select); coding-DNA position 11737, A replaced by G.
Protein change: p.Ser3913Gly; replaces serine 3913 with glycine.
Molecular consequence: missense variant.
Genome position (GRCh38, 1-based): chr2:73,600,746, A>G. VCF-style: chr2-73600746-A-G. GRCh37 (hg19) VCF-style: chr2-73827873-A-G.
Other names: c.11740A>G, p.Ser3914Gly (NM_015120.4); short protein forms S3914G, S3913G.
Identifiers: ClinVar variation 5002193 (VCV005002193.1).

ClinVar aggregate classification (germline): Uncertain significance (1 of 4 stars; one submission).

Conditions:
ALMS1-related disorder. Also called: ALMS1-related condition.

gnomAD v4.1: 3 of 1,614,218 alleles (0.00019%); highest among the groups gnomAD compares: Non-Finnish European, 0.00017%; no homozygotes.

Submission:

PreventionGenetics, part of Exact Sciences
Classification: Uncertain significance for ALMS1-related condition. Last evaluated: 2024-12-06. Review status: criteria provided, single submitter. Criteria: ACMG Guidelines, 2015. Collection method: clinical testing. Allele origin: germline.
Comment: The ALMS1 c.11740A>G variant is predicted to result in the amino acid substitution p.Ser3914Gly. To our knowledge, this variant has not been reported in the literature. This variant is reported in 0.0033% of alleles in individuals of South Asian descent in gnomAD. At this time, the clinical significance of this variant is uncertain due to the absence of conclusive functional and genetic evidence.